The following is an entry in ClinVar:

ClinVar aggregate classification (germline): Pathogenic. Review status: criteria provided, multiple submitters, no conflicts (2 of 4 stars). 3 submissions from 3 submitters: Pathogenic (2). 1 of the submissions does not count toward it. Last evaluated 2024-03-12.

Conditions:
Bryant-Li-Bhoj neurodevelopmental syndrome 1 (BRYLIB1). Identifiers: MedGen C5676905, MONDO:0030606, OMIM 619720.
Intellectual disability. Also called: Intellectual functioning disability; intellectual disabilities; Intellectual developmental disorder. Identifiers: MedGen C3714756, MeSH D008607, MONDO:0001071, HP:0001249.
Global developmental delay (DD). Also called: Cognitive delay. Identifiers: MedGen C0557874, HP:0001263. Disease mechanism: loss of function.
Brain imaging abnormality. Identifiers: MedGen C2711610, HP:0410263.
Delayed speech and language development. Also called: Language delay. Identifiers: MedGen C0454644, HP:0000750.
Short stature. Identifiers: MedGen C0349588, HP:0004322.

Submissions (3):

GeneDx
Classification: Pathogenic. Last evaluated: 2024-03-12. Review status: criteria provided, single submitter. Criteria: GeneDx Variant Classification Process June 2021. Collection method: clinical testing. Allele origin: germline. Affected: yes.
Comment: Not observed at significant frequency in large population cohorts (gnomAD); In silico analysis supports that this missense variant has a deleterious effect on protein structure/function; This variant is associated with the following publications: (PMID: 33268356, 34876591)

3billion
Classification: Pathogenic for Bryant-Li-Bhoj neurodevelopmental syndrome 1. Review status: criteria provided, single submitter. Criteria: ACMG Guidelines, 2015. Collection method: clinical testing. Allele origin: unknown. Affected: yes. Observed: 1 heterozygote.
Comment: The variant is not observed in the gnomAD v2.1.1 dataset. The variant is located in a mutational hot spot and/or well-established functional domain in which established pathogenic variants have been reported. Missense changes are a common disease-causing mechanism. In silico tool predictions suggest damaging effect of the variant on gene or gene product (REVEL: 0.46; 3Cnet: 0.83). Same nucleotide change resulting in same amino acid change has been previously reported to be associated with H3-3A related disorder (ClinVar ID: VCV001183980 / PMID: 33268356). The variant has been previously reported as de novo in a similarly affected individual (PMID: 33268356, 33268356). A different missense change at the same codon (p.Met121Lys) has been reported to be associated with H3-3A related disorder (PMID: 33268356). Therefore, this variant is classified as Pathogenic according to the recommendation of ACMG/AMP guideline.

Baylor Genetics
Classification: Likely pathogenic for Global developmental delay; Delayed speech and language development; Intellectual disability; Short stature; Brain imaging abnormality. Last evaluated: 2021-07-15. Review status: no assertion criteria provided. Collection method: research. Allele origin: de novo. Affected: yes. Observed: 1 variant allele. Not counted in ClinVar's aggregate classification.

Literature cited by the submitters: PubMed 33268356 (cited by 3billion and Baylor Genetics).

NM_002107.7(H3-3A):c.363G>A (p.Met121Ile)

Gene: H3-3A (H3.3 histone A; plus strand). Cytogenetic location: 1q42.12.
Variant type: single nucleotide variant.
Coding change: c.363G>A on transcript NM_002107.7 (MANE Select); coding-DNA position 363, G replaced by A.
Protein change: p.Met121Ile; replaces methionine 121 with isoleucine.
Molecular consequence: missense variant.
Genome position (GRCh38, 1-based): chr1:226,071,431, G>A. VCF-style: chr1-226071431-G-A. GRCh37 (hg19) VCF-style: chr1-226259132-G-A.
Other names: c.363G>A, p.Met121Ile (NM_001379043.1, NM_001379045.1, NM_001379046.1 and 1 more transcripts); short protein forms M121I.
Identifiers: ClinVar variation 1183980 (VCV001183980.3), dbSNP rs2102742562, ClinGen allele CA345020948.